The following is an entry in ClinVar:

NM_020247.5(COQ8A):c.1409A>G (p.Asn470Ser)

Gene: COQ8A (coenzyme Q8A; plus strand). Cytogenetic location: 1q42.13.
Variant type: single nucleotide variant.
Coding change: c.1409A>G on transcript NM_020247.5 (MANE Select); coding-DNA position 1409, A replaced by G.
Protein change: p.Asn470Ser; replaces asparagine 470 with serine.
Molecular consequence: missense variant.
Genome position (GRCh38, 1-based): chr1:226,984,558, A>G. VCF-style: chr1-226984558-A-G. GRCh37 (hg19) VCF-style: chr1-227172259-A-G.
Other names: p.Asn470Ser; c.1409A>G (NM_020247.4); short protein forms N470S.
Identifiers: ClinVar variation 1388833 (VCV001388833.15), dbSNP rs200800365, ClinGen allele CA1425486.
Genomic context (GRCh38, chr1:226,984,558, plus strand): 5'-CACCAGGCAGTGTGGTGCTGCCTGACACAGACCCTTCGCGCTGTCCACAGATCTGCTACA[A>G]CATCCTGGTTCTGTGCCTGAGGGAGCTGTTCGAGTTCCACTTCATGCAAACAGACCCCAA-3'
Protein context (NP_064632.2, residues 460-480): SQEIRNEICY[Asn470Ser]ILVLCLRELF

ClinVar aggregate classification (germline): Uncertain significance. Review status: criteria provided, multiple submitters, no conflicts (2 of 4 stars). 5 submissions from 5 submitters: Uncertain significance (5). Last evaluated 2026-01-19.

Conditions:
Inborn genetic diseases. Identifiers: MedGen C0950123, MeSH D030342.

Allele frequency attached by ClinVar (database versions not stated): TOPMed 0.00008; gnomAD 0.00009 and 0.00010; 1000 Genomes Project 0.00040; 1000 Genomes Project 30x 0.00047.
gnomAD v4.1: 167 of 1,613,746 alleles (0.01%); highest among the groups gnomAD compares: Non-Finnish European, 0.012%; no homozygotes.

Submissions (5):

Labcorp Genetics (formerly Invitae), Labcorp
Classification: Uncertain significance. Last evaluated: 2026-01-19. Review status: criteria provided, single submitter. Criteria: Invitae Variant Classification Sherloc (09022015). Collection method: clinical testing. Allele origin: germline.
Comment: This sequence change replaces asparagine, which is neutral and polar, with serine, which is neutral and polar, at codon 470 of the COQ8A protein (p.Asn470Ser). This variant is present in population databases (rs200800365, gnomAD 0.06%). This variant has not been reported in the literature in individuals affected with COQ8A-related conditions. ClinVar contains an entry for this variant (Variation ID: 1388833). Invitae Evidence Modeling of protein sequence and biophysical properties (such as structural, functional, and spatial information, amino acid conservation, physicochemical variation, residue mobility, and thermodynamic stability) has been performed for this missense variant. However, the output from this modeling did not meet the statistical confidence thresholds required to predict the impact of this variant on COQ8A protein function. In summary, the available evidence is currently insufficient to determine the role of this variant in disease. Therefore, it has been classified as a Variant of Uncertain Significance.

Mayo Clinic Laboratories, Mayo Clinic
Classification: Uncertain significance. Last evaluated: 2025-12-06. Review status: criteria provided, single submitter. Criteria: ACMG Guidelines, 2015. Collection method: clinical testing. Allele origin: germline. Observed: 1 variant allele.
Comment: BP4_moderate

CeGaT Center for Human Genetics Tuebingen
Classification: Uncertain significance. Last evaluated: 2025-07-01. Review status: criteria provided, single submitter. Criteria: CeGaT Center For Human Genetics Tuebingen Variant Classification Criteria Version 2. Collection method: clinical testing. Allele origin: germline. Affected: yes. Observed: 1 variant allele.
Comment: COQ8A: PM2

Athena Diagnostics
Classification: Uncertain significance. Last evaluated: 2023-10-13. Review status: criteria provided, single submitter. Criteria: Athena Diagnostics Criteria. Collection method: clinical testing. Allele origin: unknown.
Comment: Available data are insufficient to determine the clinical significance of the variant at this time. The frequency of this variant in the general population is uninformative in assessment of its pathogenicity. Computational tools predict that this variant is not damaging.

Ambry Genetics
Classification: Uncertain significance for Inborn genetic diseases. Last evaluated: 2021-05-13. Review status: criteria provided, single submitter. Criteria: Ambry Variant Classification Scheme 2023. Collection method: clinical testing. Allele origin: germline.